The following is an entry in ClinVar:

NM_000245.4(MET):c.2887+4C>A

Gene: MET (MET proto-oncogene, receptor tyrosine kinase; plus strand). Cytogenetic location: 7q31.2.
Variant type: single nucleotide variant.
Coding change: c.2887+4C>A on transcript NM_000245.4 (MANE Select); 4 bases into the intron after coding-DNA position 2887, C replaced by A.
Molecular consequence: intron variant.
Genome position (GRCh38, 1-based): chr7:116,771,658, C>A. VCF-style: chr7-116771658-C-A. GRCh37 (hg19) VCF-style: chr7-116411712-C-A.
Other names: c.2941+4C>A (NM_001127500.3); c.1597+4C>A (NM_001324402.2).
Identifiers: ClinVar variation 4859965 (VCV004859965.1).

ClinVar aggregate classification (germline): Uncertain significance (1 of 4 stars; one submission).

Conditions:
Hereditary cancer-predisposing syndrome. Also called: Neoplastic Syndromes, Hereditary; Tumor predisposition; Hereditary Cancer Syndrome; Hereditary neoplastic syndrome. Identifiers: Orphanet 140162, MedGen C0027672, MeSH D009386, MONDO:0015356.

Submission:

Ambry Genetics
Classification: Uncertain significance for Hereditary cancer-predisposing syndrome. Last evaluated: 2026-04-15. Review status: criteria provided, single submitter. Criteria: Ambry Variant Classification Scheme 2023. Collection method: clinical testing. Allele origin: germline.
Comment: The c.2941+4C>A intronic variant results from a C to A substitution 4 nucleotides after coding exon 12 in the MET gene. This nucleotide position is not well conserved in available vertebrate species. In silico splice site analysis predicts that this alteration will not have any significant effect on splicing. Based on the available evidence, the clinical significance of this variant remains unclear.